The following is an entry in ClinVar:

NM_014159.7(SETD2):c.475A>G (p.Thr159Ala)

Gene: SETD2 (SET domain containing 2, histone lysine methyltransferase; minus strand). Cytogenetic location: 3p21.31.
Variant type: single nucleotide variant.
Coding change: c.475A>G on transcript NM_014159.7 (MANE Select); coding-DNA position 475, A replaced by G.
Protein change: p.Thr159Ala; replaces threonine 159 with alanine.
Molecular consequence: missense variant. On other transcripts: non-coding transcript variant (1).
Genome position (GRCh38, 1-based): chr3:47,124,161, T>C on the plus strand (A>G on the coding strand, the complement: SETD2 is on the minus strand). VCF-style: chr3-47124161-T-C. GRCh37 (hg19) VCF-style: chr3-47165651-T-C.
Other names: c.343A>G, p.Thr115Ala (NM_001349370.3); short protein forms T159A, T115A.
Identifiers: ClinVar variation 475520 (VCV000475520.34), dbSNP rs369333306, ClinGen allele CA2363749.

ClinVar aggregate classification (germline): Benign/Likely benign. Review status: criteria provided, multiple submitters, no conflicts (2 of 4 stars). 3 submissions from 3 submitters: Benign (1); Likely benign (2). Last evaluated 2025-01-07.

Conditions:
Inborn genetic diseases. Identifiers: MedGen C0950123, MeSH D030342.
Luscan-Lumish syndrome. Identifiers: Orphanet 597738, MedGen C4085873, MONDO:0014791, OMIM 616831.

Allele frequency attached by ClinVar (database versions not stated): gnomAD exomes 0.00002 and 0.00003; gnomAD 0.00003; TOPMed 0.00003; ExAC 0.00004; ESP Exome Variant Server 0.00022.
gnomAD v4.1: 37 of 1,551,818 alleles (0.0024%); highest among the groups gnomAD compares: Middle Eastern, 0.066%; no homozygotes.

Submissions (3):

Labcorp Genetics (formerly Invitae), Labcorp
Classification: Benign for Luscan-Lumish syndrome. Last evaluated: 2025-01-07. Review status: criteria provided, single submitter. Criteria: Invitae Variant Classification Sherloc (09022015). Collection method: clinical testing. Allele origin: germline.

Ambry Genetics
Classification: Likely benign for Inborn genetic diseases. Last evaluated: 2024-11-26. Review status: criteria provided, single submitter. Criteria: Ambry Variant Classification Scheme 2023. Collection method: clinical testing. Allele origin: germline.

CeGaT Center for Human Genetics Tuebingen
Classification: Likely benign. Last evaluated: 2022-06-01. Review status: criteria provided, single submitter. Criteria: CeGaT Center For Human Genetics Tuebingen Variant Classification Criteria Version 2. Collection method: clinical testing. Allele origin: germline. Affected: yes. Observed: 1 variant allele.
Comment: SETD2: BP4